The following is an entry in ClinVar:

ClinVar aggregate classification (germline): Uncertain significance (1 of 4 stars; one submission).

Conditions:
Cortical dysplasia, complex, with other brain malformations 13. Also called: Intellectual disability, autosomal dominant 13. Identifiers: MedGen C3281202, MONDO:0013805, OMIM 614563.

Submission:

New York Genome Center
Classification: Uncertain significance for Cortical dysplasia, complex, with other brain malformations 13. Last evaluated: 2019-10-10. Review status: criteria provided, single submitter. Criteria: NYGC Assertion Criteria 2020. Collection method: clinical testing. Allele origin: germline. Inheritance: Autosomal dominant inheritance. Observed: 1 heterozygote. Study: CSER-NYCKidSeq.
Comment: The c.9436A>G (p.Ser3146Gly) variant identified in the DYNC1H1 gene substitutes a conserved Serine for Glycine at amino acid 3146/4647 (coding exon 48/78). This variant is absent from gnomAD and ExAC, suggesting it is not a common benign variant in the populations represented in these databases. In silico algorithms predict this variant to be Neutral (Provean; score: -2.00) and Tolerated (SIFT; score: 0.099) to the function of the canonical transcript. This variant is absent from ClinVar and to our current knowledge has not been reported in affected individuals in the literature. The p.Ser3146 residue is within the large C-terminal motor domain of the protein in the 4th AAA module, which is important for ATP hydrolysis, and pathogenic missense variants have been reported within the AAA modules (for review [PMID: 26100331]). Given the lack of compelling evidence for its pathogenicity, the c.9436A>G (p.Ser3146Gly) variant identified in the DYNC1H1 gene is reported here as a Variant of Uncertain Significance.

NM_001376.5(DYNC1H1):c.9436A>G (p.Ser3146Gly)

Genes: DYNC1H1 (dynein cytoplasmic 1 heavy chain 1; plus strand), LOC126862060 (BRD4-independent group 4 enhancer GRCh37_chr14:102493659-102494858; plus strand). Cytogenetic location: 14q32.31.
Variant type: single nucleotide variant.
Coding change: c.9436A>G on transcript NM_001376.5 (MANE Select); coding-DNA position 9436, A replaced by G.
Protein change: p.Ser3146Gly; replaces serine 3146 with glycine.
Molecular consequence: missense variant.
Genome position (GRCh38, 1-based): chr14:102,028,109, A>G. VCF-style: chr14-102028109-A-G. GRCh37 (hg19) VCF-style: chr14-102494446-A-G.
Other names: short protein forms S3146G.
Identifiers: ClinVar variation 996885 (VCV000996885.1), dbSNP rs2048470658, ClinGen allele CA391014557.